The following is an entry in ClinVar:

NM_022765.4(MICAL1):c.1153C>G (p.Arg385Gly)

Gene: MICAL1 (microtubule associated monooxygenase, calponin and LIM domain containing 1; minus strand). Cytogenetic location: 6q21.
Variant type: single nucleotide variant.
Coding change: c.1153C>G on transcript NM_022765.4 (MANE Select); coding-DNA position 1153, C replaced by G.
Protein change: p.Arg385Gly; replaces arginine 385 with glycine.
Molecular consequence: missense variant. On other transcripts: intron variant (1).
Genome position (GRCh38, 1-based): chr6:109,450,338, G>C on the plus strand (C>G on the coding strand, the complement: MICAL1 is on the minus strand). VCF-style: chr6-109450338-G-C. GRCh37 (hg19) VCF-style: chr6-109771541-G-C.
Other names: c.1153C>G (NM_022765.3); c.1210C>G, p.Arg404Gly (NM_001286613.2); c.934-253C>G (NM_001159291.2); short protein forms R385G, R404G.
Identifiers: ClinVar variation 2050890 (VCV002050890.5), dbSNP rs772715890, ClinGen allele CA3953492.

ClinVar aggregate classification (germline): Uncertain significance. Review status: criteria provided, multiple submitters, no conflicts (2 of 4 stars). 2 submissions from 2 submitters: Uncertain significance (2). Last evaluated 2024-12-03.

Allele frequency attached by ClinVar (database versions not stated): TOPMed 0.00003; gnomAD 0.00001.

Submissions (2):

Ambry Genetics
Classification: Uncertain significance. Last evaluated: 2024-12-03. Review status: criteria provided, single submitter. Criteria: Ambry Variant Classification Scheme 2023. Collection method: clinical testing. Allele origin: germline.

Labcorp Genetics (formerly Invitae), Labcorp
Classification: Uncertain significance. Last evaluated: 2024-03-13. Review status: criteria provided, single submitter. Criteria: Invitae Variant Classification Sherloc (09022015). Collection method: clinical testing. Allele origin: germline.
Comment: This sequence change replaces arginine, which is basic and polar, with glycine, which is neutral and non-polar, at codon 404 of the MICAL1 protein (p.Arg404Gly). This variant is present in population databases (rs772715890, gnomAD 0.005%). This variant has not been reported in the literature in individuals affected with MICAL1-related conditions. ClinVar contains an entry for this variant (Variation ID: 2050890). An algorithm developed to predict the effect of missense changes on protein structure and function (PolyPhen-2) suggests that this variant is likely to be tolerated. In summary, the available evidence is currently insufficient to determine the role of this variant in disease. Therefore, it has been classified as a Variant of Uncertain Significance.